The following is an entry in ClinVar:

NM_007294.4(BRCA1):c.3636A>T (p.Ser1212=)

Genes: BRCA1 (BRCA1 DNA repair associated; minus strand), LOC126862571 (BRD4-independent group 4 enhancer GRCh37_chr17:41243136-41244335; plus strand). Cytogenetic location: 17q21.31.
Variant type: single nucleotide variant.
Coding change: c.3636A>T on transcript NM_007294.4 (MANE Select); coding-DNA position 3636, A replaced by T.
Protein change: p.Ser1212=; no amino-acid change (serine 1212 retained).
Molecular consequence: synonymous variant. On other transcripts: intron variant (135).
Genome position (GRCh38, 1-based): chr17:43,091,895, T>A on the plus strand (A>T on the coding strand, the complement: BRCA1 is on the minus strand). VCF-style: chr17-43091895-T-A. GRCh37 (hg19) VCF-style: chr17-41243912-T-A.
Other names: c.3513A>T, p.Ser1171= (NM_001407682.1, NM_001407683.1, NM_001407863.1 and 19 more transcripts); c.3636A>T, p.Ser1212= (NM_001407684.1, NM_001407854.1, NM_001407858.1 and 30 more transcripts); c.3510A>T, p.Ser1170= (NM_001407685.1, NM_001407686.1, NM_001407687.1 and 11 more transcripts); c.3495A>T, p.Ser1165= (NM_001407692.1, NM_001407694.1, NM_001407695.1 and 29 more transcripts); c.3492A>T, p.Ser1164= (NM_001407740.1, NM_001407741.1, NM_001407742.1 and 20 more transcripts); c.3423A>T, p.Ser1141= (NM_001407853.1, NM_001407894.1, NM_001407895.1 and 9 more transcripts); c.3633A>T, p.Ser1211= (NM_001407860.1, NM_001407861.1, NM_001407587.1 and 22 more transcripts); c.3435A>T, p.Ser1145= (NM_001407862.1); and 41 more.
Identifiers: ClinVar variation 231101 (VCV000231101.20), dbSNP rs148038877, ClinGen allele CA10580555.

ClinVar aggregate classification (germline): Likely benign. Review status: reviewed by expert panel (3 of 4 stars). 6 submissions from 6 submitters: Likely benign (1). 5 of the submissions do not count toward it. Last evaluated 2017-06-29.

Conditions:
Breast-ovarian cancer, familial, susceptibility to, 1 (BROVCA1). Also called: BRCA1 Hereditary Breast and Ovarian Cancer; OVARIAN CANCER, SUSCEPTIBILITY TO. Identifiers: Orphanet 145, MedGen C2676676, MONDO:0011450, OMIM 604370. Disease mechanism: loss of function.
Hereditary cancer-predisposing syndrome. Also called: Tumor predisposition; Hereditary Cancer Syndrome; Neoplastic Syndromes, Hereditary; Hereditary neoplastic syndrome. Identifiers: Orphanet 140162, MedGen C0027672, MeSH D009386, MONDO:0015356.
Hereditary breast ovarian cancer syndrome. Also called: Breast and ovarian cancer; Hereditary breast and ovarian cancer; Hereditary breast and ovarian cancer syndrome; Hereditary breast and/or ovarian cancer syndrome; BRCA1- and BRCA2-Associated Hereditary Breast and Ovarian Cancer; Hereditary breast and ovarian cancer syndrome (HBOC). Identifiers: Orphanet 145, MedGen C0677776, MeSH D061325, MONDO:0003582. Disease mechanism: loss of function.

Submissions (6):

Evidence-based Network for the Interpretation of Germline Mutant Alleles (ENIGMA)
Classification: Likely benign for Breast-ovarian cancer, familial, susceptibility to, 1. Last evaluated: 2017-06-29. Review status: reviewed by expert panel. Criteria: ENIGMA BRCA1/2 Classification Criteria (2017-06-29). Collection method: curation. Allele origin: germline.
Comment: Synonymous substitution variant, with low bioinformatic likelihood to result in a splicing aberration (Splicing prior probability 0.02).

Labcorp Genetics (formerly Invitae), Labcorp
Classification: Likely benign for Hereditary breast ovarian cancer syndrome. Last evaluated: 2025-09-28. Review status: criteria provided, single submitter. Criteria: Invitae Variant Classification Sherloc (09022015). Collection method: clinical testing. Allele origin: germline. Not counted in ClinVar's aggregate classification.

ARUP Laboratories, Molecular Genetics and Genomics, ARUP Laboratories
Classification: Likely benign. Last evaluated: 2024-06-06. Review status: criteria provided, single submitter. Criteria: ARUP Molecular Germline Variant Investigation Process 2024. Collection method: clinical testing. Allele origin: germline. Not counted in ClinVar's aggregate classification.

Women's Health and Genetics/Laboratory Corporation of America, LabCorp
Classification: Likely benign. Last evaluated: 2023-05-11. Review status: criteria provided, single submitter. Criteria: LabCorp Variant Classification Summary - May 2015. Collection method: clinical testing. Allele origin: germline. Not counted in ClinVar's aggregate classification.

Color Diagnostics, LLC DBA Color Health
Classification: Likely benign for Hereditary cancer-predisposing syndrome. Last evaluated: 2018-05-29. Review status: criteria provided, single submitter. Criteria: ACMG Guidelines, 2015. Collection method: clinical testing. Allele origin: germline. Not counted in ClinVar's aggregate classification.

Ambry Genetics
Classification: Likely benign for Hereditary cancer-predisposing syndrome. Last evaluated: 2015-03-19. Review status: criteria provided, single submitter. Criteria: Ambry Variant Classification Scheme 2023. Collection method: clinical testing. Allele origin: germline. Not counted in ClinVar's aggregate classification.